The following is an entry in ClinVar:

NM_001127644.2(GABRA1):c.1020A>C (p.Arg340Ser)

Gene: GABRA1 (gamma-aminobutyric acid type A receptor subunit alpha1; plus strand). Cytogenetic location: 5q34.
Variant type: single nucleotide variant.
Coding change: c.1020A>C on transcript NM_001127644.2 (MANE Select); coding-DNA position 1020, A replaced by C.
Protein change: p.Arg340Ser; replaces arginine 340 with serine.
Molecular consequence: missense variant.
Genome position (GRCh38, 1-based): chr5:161,895,829, A>C. VCF-style: chr5-161895829-A-C. GRCh37 (hg19) VCF-style: chr5-161322835-A-C.
Other names: c.1020A>C, p.Arg340Ser (NM_000806.5, NM_001127643.2, NM_001127645.2 and 1 more transcripts); short protein forms R340S.
Identifiers: ClinVar variation 579644 (VCV000579644.11), dbSNP rs1561587910, ClinGen allele CA362180423.
Genomic context (GRCh38, chr5:161,895,829, plus strand): 5'-CTATGCCTTTGTGTTCTCAGCTCTGATTGAGTTTGCCACAGTAAACTATTTCACTAAGAG[A>C]GGTTATGCATGGGATGGCAAAAGTGTGGTTCCAGAAAAGGTAAATGCTTTAATGGTCACT-3'
Protein context (NP_001121116.1, residues 330-350): EFATVNYFTK[Arg340Ser]GYAWDGKSVV

ClinVar aggregate classification (germline): Conflicting classifications of pathogenicity. Review status: criteria provided, conflicting classifications (1 of 4 stars). 2 submissions from 2 submitters: Likely pathogenic (1); Uncertain significance (1). Last evaluated 2025-02-25.

Conditions:
Epilepsy, idiopathic generalized, susceptibility to, 13. Also called: EPILEPSY, JUVENILE MYOCLONIC, SUSCEPTIBILITY TO, 5. Identifiers: Orphanet 307, Orphanet 64280, MedGen C4013473, MONDO:0012627, OMIM 611136.
Idiopathic generalized epilepsy. Also called: EIG; Generalised epilepsy. Identifiers: MedGen C0270850, MONDO:0005579, OMIM 600669.
Epilepsy, childhood absence 4 (ECA4). Also called: EPILEPSY, CHILDHOOD ABSENCE, SUSCEPTIBILITY TO, 4. Identifiers: Orphanet 307, MedGen C1970160.

Submissions (2):

Labcorp Genetics (formerly Invitae), Labcorp
Classification: Uncertain significance for Epilepsy, childhood absence 4; Epilepsy, idiopathic generalized, susceptibility to, 13; Idiopathic generalized epilepsy. Last evaluated: 2025-02-25. Review status: criteria provided, single submitter. Criteria: Invitae Variant Classification Sherloc (09022015). Collection method: clinical testing. Allele origin: germline.
Comment: This sequence change replaces arginine, which is basic and polar, with serine, which is neutral and polar, at codon 340 of the GABRA1 protein (p.Arg340Ser). This variant is not present in population databases (gnomAD no frequency). This variant has not been reported in the literature in individuals affected with GABRA1-related conditions. ClinVar contains an entry for this variant (Variation ID: 579644). Invitae Evidence Modeling of protein sequence and biophysical properties (such as structural, functional, and spatial information, amino acid conservation, physicochemical variation, residue mobility, and thermodynamic stability) has been performed for this missense variant. However, the output from this modeling did not meet the statistical confidence thresholds required to predict the impact of this variant on GABRA1 protein function. In summary, the available evidence is currently insufficient to determine the role of this variant in disease. Therefore, it has been classified as a Variant of Uncertain Significance.

GeneDx
Classification: Likely pathogenic. Last evaluated: 2023-04-20. Review status: criteria provided, single submitter. Criteria: GeneDx Variant Classification Process June 2021. Collection method: clinical testing. Allele origin: germline. Affected: yes.
Comment: Not observed at significant frequency in large population cohorts (gnomAD); In silico analysis supports that this missense variant has a deleterious effect on protein structure/function; Has not been previously published as pathogenic or benign to our knowledge